The following is an entry in ClinVar:

ClinVar aggregate classification (germline): Uncertain significance (1 of 4 stars; one submission).

Conditions:
Hereditary breast ovarian cancer syndrome. Also called: Hereditary breast and ovarian cancer; Hereditary breast and/or ovarian cancer syndrome; Hereditary breast and ovarian cancer syndrome; Hereditary breast and ovarian cancer syndrome (HBOC); Breast and ovarian cancer; BRCA1- and BRCA2-Associated Hereditary Breast and Ovarian Cancer. Identifiers: Orphanet 145, MedGen C0677776, MeSH D061325, MONDO:0003582. Disease mechanism: loss of function.

Submission:

Labcorp Genetics (formerly Invitae), Labcorp
Classification: Uncertain significance for Hereditary breast ovarian cancer syndrome. Last evaluated: 2022-11-23. Review status: criteria provided, single submitter. Criteria: Invitae Variant Classification Sherloc (09022015). Collection method: clinical testing. Allele origin: germline.
Comment: In summary, the available evidence is currently insufficient to determine the role of this variant in disease. Therefore, it has been classified as a Variant of Uncertain Significance. Algorithms developed to predict the effect of missense changes on protein structure and function (SIFT, PolyPhen-2, Align-GVGD) all suggest that this variant is likely to be disruptive. This variant has not been reported in the literature in individuals affected with BRCA2-related conditions. This variant is not present in population databases (gnomAD no frequency). This sequence change replaces arginine, which is basic and polar, with isoleucine, which is neutral and non-polar, at codon 2669 of the BRCA2 protein (p.Arg2669Ile).

NM_000059.4(BRCA2):c.8006G>T (p.Arg2669Ile)

Gene: BRCA2 (BRCA2 DNA repair associated; plus strand). Cytogenetic location: 13q13.1.
Variant type: single nucleotide variant.
Coding change: c.8006G>T on transcript NM_000059.4 (MANE Select); coding-DNA position 8006, G replaced by T.
Protein change: p.Arg2669Ile; replaces arginine 2669 with isoleucine.
Molecular consequence: missense variant.
Genome position (GRCh38, 1-based): chr13:32,363,208, G>T. VCF-style: chr13-32363208-G-T. GRCh37 (hg19) VCF-style: chr13-32937345-G-T.
Other names: c.7910G>T, p.Arg2637Ile (NM_001406719.1); c.8006G>T, p.Arg2669Ile (NM_001406720.1); c.3074G>T, p.Arg1025Ile (NM_001406721.1); c.1589G>T, p.Arg530Ile (NM_001406722.1); short protein forms R2669I, R1025I, R2637I, R530I.
Identifiers: ClinVar variation 2066099 (VCV002066099.4), dbSNP rs2137579863, ClinGen allele CA387748708.